The following is an entry in ClinVar:

ClinVar aggregate classification (germline): Pathogenic. Review status: criteria provided, multiple submitters, no conflicts (2 of 4 stars). 13 submissions from 13 submitters: Pathogenic (11). 2 of the submissions do not count toward it. Last evaluated 2026-08-25.

Conditions:
NAGLU-related disorder. Also called: NAGLU-related condition.
Sanfilippo syndrome. Also called: Sanfilippo disease; Mucopolysaccharidosis Type III; Mucopolysaccharidosis type 3. Identifiers: Orphanet 581, MedGen C0026706, MONDO:0018937.
Charcot-Marie-Tooth disease axonal type 2V. Also called: CHARCOT-MARIE-TOOTH NEUROPATHY, TYPE 2V; CHARCOT-MARIE-TOOTH DISEASE, AXONAL, AUTOSOMAL DOMINANT, TYPE 2V. Identifiers: Orphanet 447964, MedGen C5569050, MONDO:0014665, OMIM 616491.
Mucopolysaccharidosis, MPS-III-B (MPS3B). Also called: MUCOPOLYSACCHARIDOSIS, TYPE IIIB; MPS IIIB (Sanfilippo Syndrome Type B); N-ACETYL-ALPHA-D-GLUCOSAMINIDASE DEFICIENCY; NAGLU DEFICIENCY; SANFILIPPO SYNDROME B; MPS III B. Identifiers: Orphanet 79270, MedGen C0086648, MONDO:0009656, OMIM 252920.

Allele frequency attached by ClinVar (database versions not stated): gnomAD 0.00004 and 0.00005; TOPMed 0.00006.
gnomAD v4.1: 54 of 1,612,408 alleles (0.0033%); highest among the groups gnomAD compares: African/African-American, 0.0053%; no homozygotes.

Submissions (13):

PreventionGenetics, part of Exact Sciences
Classification: Pathogenic for NAGLU-related condition. Last evaluated: 2026-08-25. Review status: criteria provided, single submitter. Criteria: ACMG Guidelines, 2015. Collection method: clinical testing. Allele origin: germline.
Comment: The NAGLU c.1694G>A variant is predicted to result in the amino acid substitution p.Arg565Gln. This variant has been reported in individauls with mucopolysaccharidosis IIIB/Sanfilippo syndrome B, and functional studies support its pathogenicity (MPSIIIB; see for example: Bunge et al. 1999. PubMed ID: 9950362; Valstar et al. 2010. PubMed ID: 20852935; Tang et al. 2013. PubMed ID: 23380547; Clark et al. 2018. PubMed ID: 29979746). Alternate nucleotide changes impacting this amino acid position (p.Arg565Pro, p.Arg565Leu, p.Arg565Trp) have been reported in individuals with MPSIIIB (Weber et al. 1999. PubMed ID: 10094189; Al-Jasmi et al. 2013. PubMed ID: 23430803; Beesley et al. 1998. PubMed ID: 9832037) This variant is reported in 0.0078% of alleles in individuals of European (Non-Finnish) descent in gnomAD. This variant is interpreted as pathogenic.

Labcorp Genetics (formerly Invitae), Labcorp
Classification: Pathogenic for Charcot-Marie-Tooth disease axonal type 2V; Mucopolysaccharidosis, MPS-III-B. Last evaluated: 2026-01-26. Review status: criteria provided, single submitter. Criteria: Invitae Variant Classification Sherloc (09022015). Collection method: clinical testing. Allele origin: germline.
Comment: This sequence change replaces arginine, which is basic and polar, with glutamine, which is neutral and polar, at codon 565 of the NAGLU protein (p.Arg565Gln). This variant is present in population databases (rs104894598, gnomAD 0.009%). This missense change has been observed in individual(s) with mucopolysaccharidosis type III (PMID: 9950362, 20852935, 23380547, 28751108). ClinVar contains an entry for this variant (Variation ID: 30795). Invitae Evidence Modeling of protein sequence and biophysical properties (such as structural, functional, and spatial information, amino acid conservation, physicochemical variation, residue mobility, and thermodynamic stability) has been performed for this missense variant. However, the output from this modeling did not meet the statistical confidence thresholds required to predict the impact of this variant on NAGLU protein function. This variant disrupts the p.Arg565 amino acid residue in NAGLU. Other variant(s) that disrupt this residue have been determined to be pathogenic (PMID: 10094189, 15933803, 23430803). This suggests that this residue is clinically significant, and that variants that disrupt this residue are likely to be disease-causing. For these reasons, this variant has been classified as Pathogenic.

Natera, Inc.
Classification: Pathogenic for Mucopolysaccharidosis type IIIB. Last evaluated: 2025-05-08. Review status: criteria provided, single submitter. Criteria: Natera Variant Classification Schema (03/2026). Collection method: clinical testing. Allele origin: germline.
Comment: The c.1694G>A variant in NAGLU is a missense variant predicted to cause substitution of arginine to glutamine at amino acid 565. This variant is rare in the general population with a frequency below the threshold expected for the associated phenotype(s). This variant has been observed in one or more individuals affected with the associated recessive disease, as either homozygous or compound heterozygous with a second variant (PMID: 23380547, 23380547). Additionally, this variant has been observed to segregate in affected family members (PMID: 23380547). A different variant at the same position has been determined to be Pathogenic or Likely Pathogenic. Computational prediction algorithms indicate this variant is likely to affect gene or protein function. Given the available evidence, this variant is classified as Pathogenic.

Revvity Omics, Revvity
Classification: Pathogenic. Last evaluated: 2025-03-27. Review status: criteria provided, single submitter. Criteria: ACMG Guidelines, 2015. Collection method: clinical testing. Allele origin: germline.

Foundation for Research in Genetics and Endocrinology, FRIGE's Institute of Human Genetics
Classification: Pathogenic for Mucopolysaccharidosis, MPS-III-B. Last evaluated: 2024-05-06. Review status: criteria provided, single submitter. Criteria: ACMG Guidelines, 2015. Collection method: clinical testing. Allele origin: germline. Inheritance: Autosomal recessive inheritance. Affected: yes. Observed: 1 homozygote.
Comment: A homozygous variant in exon 6 of the NAGLU gene that results in the amino acid substitution of glutamine for arginine at codon 565 was detected. The observed variant c.1694G>A has not been reported in the 1000 genomes database and has MAF of 0.0044% in the gnomAD database. The in silico predictions is damaging by MutationTaster and SIFT, Polyphen2 and DANN. In summary, the variant meets our criteria to be classified as pathogenic.

GeneDx
Classification: Pathogenic. Last evaluated: 2024-03-08. Review status: criteria provided, single submitter. Criteria: GeneDx Variant Classification Process June 2021. Collection method: clinical testing. Allele origin: germline. Affected: yes.
Comment: Not observed at a significant frequency in large population cohorts (gnomAD); In silico analysis supports that this missense variant has a deleterious effect on protein structure/function; This variant is associated with the following publications: (PMID: 11668611, 20852935, 9950362, 16151907, 21937992, 26907177, 21204211, 23380547, 28751108, 29979746, 30426380, 23430803, 15933803, 15300983, 10094189, 28844463, 28101780, 31589614, 33747789, 33552644)

Fulgent Genetics
Classification: Pathogenic for Mucopolysaccharidosis, MPS-III-B; Charcot-Marie-Tooth disease axonal type 2V. Last evaluated: 2024-02-28. Review status: criteria provided, single submitter. Criteria: ACMG Guidelines, 2015. Collection method: clinical testing. Allele origin: germline.

Laboratory of Medical Genetics, National & Kapodistrian University of Athens
Classification: Pathogenic for Mucopolysaccharidosis, MPS-III-B. Last evaluated: 2024-02-01. Review status: criteria provided, single submitter. Criteria: ACMG Guidelines, 2015. Collection method: curation. Allele origin: germline. Affected: no.

Blueprint Genetics
Classification: Pathogenic for NAGLU-related disorders. Last evaluated: 2023-06-30. Review status: criteria provided, single submitter. Criteria: ACMG Guidelines, 2015. Collection method: clinical testing. Allele origin: germline. Affected: yes. Observed: 5 variant alleles.

CeGaT Center for Human Genetics Tuebingen
Classification: Pathogenic. Last evaluated: 2019-11-01. Review status: criteria provided, single submitter. Criteria: CeGaT Center For Human Genetics Tuebingen Variant Classification Criteria Version 2. Collection method: clinical testing. Allele origin: germline. Affected: yes. Observed: 1 variant allele.

Women's Health and Genetics/Laboratory Corporation of America, LabCorp
Classification: Pathogenic for Sanfilippo syndrome. Last evaluated: 2016-06-17. Review status: criteria provided, single submitter. Criteria: LabCorp Variant Classification Summary - May 2015. Collection method: clinical testing. Allele origin: germline.
Comment: Variant summary: The NAGLU c.1694G>A (p.Arg565Gln) variant involves the alteration of a conserved nucleotide. 3/4 in silico tools predict a damaging outcome (SNPs&GO not captured due to low reliability index). Arg565 is highly conserved across species, and two other mutations have been reported at the Arg565 codon (R565Q, R565P) (Beesley et al 1998; Bunge et al 1999; Weber et al 1999), which suggests that this codon is a mutational hotspot in the NAGLU gene. This variant was found in 4/115194 control chromosomes at a frequency of 0.0000347, which does not exceed the estimated maximal expected allele frequency of a pathogenic NAGLU variant (0.0025). The variant has been identified in multiple MPS3B patients in compound heterozygous state and has been shown to co-segregate with disease in at least one family (Tang_CCA_2013). Compound heterozygous patients have been shown to have <10% of normal NAGLU activity. In addition, OMIM classified this variant as pathogenic. Taken together, this variant is classified as Pathogenic.

Counsyl
Classification: Likely pathogenic for Mucopolysaccharidosis, MPS-III-B. Last evaluated: 2017-09-29. Review status: no assertion criteria provided. Collection method: clinical testing. Allele origin: unknown. Not counted in ClinVar's aggregate classification.

OMIM
Classification: Pathogenic for MUCOPOLYSACCHARIDOSIS, TYPE IIIB. Last evaluated: 2011-09-21. Review status: no assertion criteria provided. Collection method: literature only. Allele origin: germline. Not counted in ClinVar's aggregate classification.

Literature cited by the submitters: PubMed 9950362 (cited by 3 submitters); PubMed 20852935 (cited by Labcorp Genetics (formerly Invitae), Labcorp and Counsyl); PubMed 23380547 (cited by 4 submitters); PubMed 28751108 (cited by Labcorp Genetics (formerly Invitae), Labcorp); PubMed 10094189 (cited by Labcorp Genetics (formerly Invitae), Labcorp); PubMed 15933803 (cited by Labcorp Genetics (formerly Invitae), Labcorp); PubMed 23430803 (cited by Labcorp Genetics (formerly Invitae), Labcorp); PubMed 15300983 (cited by Counsyl); PubMed 21937992 (cited by Counsyl and OMIM); PubMed 21204211 (cited by Counsyl).

NM_000263.4(NAGLU):c.1694G>A (p.Arg565Gln)

Gene: NAGLU (N-acetyl-alpha-glucosaminidase; plus strand). Cytogenetic location: 17q21.2.
Variant type: single nucleotide variant.
Coding change: c.1694G>A on transcript NM_000263.4 (MANE Select); coding-DNA position 1694, G replaced by A.
Protein change: p.Arg565Gln; replaces arginine 565 with glutamine.
Molecular consequence: missense variant.
Genome position (GRCh38, 1-based): chr17:42,543,700, G>A. VCF-style: chr17-42543700-G-A. GRCh37 (hg19) VCF-style: chr17-40695718-G-A.
Other names: short protein forms R565Q.
Identifiers: ClinVar variation 30795 (VCV000030795.62), dbSNP rs104894598, ClinGen allele CA129472.